The following is an entry in ClinVar:

NM_014249.4(NR2E3):c.336del (p.Gly112_Met113insTer)

Gene: NR2E3 (nuclear receptor subfamily 2 group E member 3; plus strand). Cytogenetic location: 15q23.
Variant type: Deletion.
Coding change: c.336del on transcript NM_014249.4 (MANE Select); coding-DNA position 336, one base deleted (G; older notation c.336delG).
Protein change: p.Gly112_Met113insTer.
Molecular consequence: frameshift variant.
Genome position (GRCh38, 1-based): chr15:71,811,856, G deleted; the last of 4 consecutive G bases (chr15:71,811,853-71,811,856); deleting any one gives the same sequence. VCF-style (leftmost placement, unchanged base first): chr15-71811852-CG-C. GRCh37 (hg19) VCF-style: chr15-72104192-CG-C.
Other names: c.336del (NM_014249.3); c.336del, p.Gly112_Met113insTer (NM_016346.4).
Identifiers: ClinVar variation 2677357 (VCV002677357.6), dbSNP rs2543253848, ClinGen allele CA2695197301.
Genomic context (GRCh38, chr15:71,811,852, plus strand): 5'-CCGTGGACAAGGCCCACCGCAACCAGTGCCAGGCCTGCCGGCTGAAGAAGTGCCTGCAGG[CG>C]GGGATGAACCAGGACGGTGAGGCGGGGGCTGGCCCGGGGGGAGGTGACAAGAAATGGGCA-3'

ClinVar aggregate classification (germline): Pathogenic/Likely pathogenic. Review status: criteria provided, multiple submitters, no conflicts (2 of 4 stars). 3 submissions from 3 submitters: Pathogenic (1); Likely pathogenic (2). Last evaluated 2025-02-10.

Conditions:
Enhanced S-cone syndrome (ESCS). Identifiers: Orphanet 53540, MedGen C1849394, MONDO:0100288, MONDO:0009989.

Submissions (3):

Natera, Inc.
Classification: Likely pathogenic for Enhanced S cone syndrome. Last evaluated: 2025-02-10. Review status: criteria provided, single submitter. Criteria: Natera Variant Classification Schema (03/2026). Collection method: clinical testing. Allele origin: germline.
Comment: The c.336del variant in NR2E3 is a frameshift variant predicted to shift the reading frame and introduce a stop codon. This variant is expected to result in nonsense mediated decay, truncation, or a dysfunctional protein product. This variant is rare in the general population with a frequency below the threshold expected for the associated phenotype(s). Given the available evidence, this variant is classified as Likely Pathogenic.

Baylor Genetics
Classification: Likely pathogenic for ENHANCED S-CONE SYNDROME 1. Last evaluated: 2023-09-26. Review status: criteria provided, single submitter. Criteria: ACMG Guidelines, 2015. Collection method: clinical testing. Allele origin: unknown.

Labcorp Genetics (formerly Invitae), Labcorp
Classification: Pathogenic. Last evaluated: 2022-12-24. Review status: criteria provided, single submitter. Criteria: Invitae Variant Classification Sherloc (09022015). Collection method: clinical testing. Allele origin: germline.
Comment: This sequence change creates a premature translational stop signal (p.Met113*) in the NR2E3 gene. It is expected to result in an absent or disrupted protein product. Loss-of-function variants in NR2E3 are known to be pathogenic (PMID: 15459973, 27522502). This variant is not present in population databases (gnomAD no frequency). This variant has not been reported in the literature in individuals affected with NR2E3-related conditions. For these reasons, this variant has been classified as Pathogenic.

Literature cited by the submitters: PubMed 15459973 (cited by Labcorp Genetics (formerly Invitae), Labcorp); PubMed 27522502 (cited by Labcorp Genetics (formerly Invitae), Labcorp).